The following is an entry in ClinVar:

NM_015450.3(POT1):c.1369+1G>T

Gene: POT1 (protection of telomeres 1; minus strand). Cytogenetic location: 7q31.33.
Variant type: single nucleotide variant.
Coding change: c.1369+1G>T on transcript NM_015450.3 (MANE Select); the canonical splice donor site of the intron after coding-DNA position 1369, G replaced by T.
Molecular consequence: splice donor variant.
Genome position (GRCh38, 1-based): chr7:124,840,972, C>A on the plus strand (G>T on the coding strand, the complement: POT1 is on the minus strand). VCF-style: chr7-124840972-C-A. GRCh37 (hg19) VCF-style: chr7-124481026-C-A.
Other names: c.976+1G>T (NM_001042594.2).
Identifiers: ClinVar variation 1770981 (VCV001770981.4), dbSNP rs761173025, ClinGen allele CA369066558.

ClinVar aggregate classification (germline): Likely pathogenic (1 of 4 stars; one submission).

Conditions:
Hereditary cancer-predisposing syndrome. Also called: Hereditary Cancer Syndrome; Hereditary neoplastic syndrome; Neoplastic Syndromes, Hereditary; Tumor predisposition. Identifiers: Orphanet 140162, MedGen C0027672, MeSH D009386, MONDO:0015356.

Submission:

Ambry Genetics
Classification: Likely pathogenic for Hereditary cancer-predisposing syndrome. Last evaluated: 2025-08-29. Review status: criteria provided, single submitter. Criteria: Ambry Variant Classification Scheme 2023. Collection method: clinical testing. Allele origin: germline.
Comment: The c.1369+1G>T intronic variant results from a G to T substitution one nucleotide after coding exon 10 of the POT1 gene. This variant was not reported in population-based cohorts in the Genome Aggregation Database (gnomAD). This nucleotide position is highly conserved in available vertebrate species. In silico splice site analysis predicts that this alteration will weaken the native splice donor site; however, direct evidence is insufficient at this time (Ambry internal data). Alterations that disrupt the canonical splice site are expected to cause aberrant splicing, resulting in an abnormal protein or a transcript that is subject to nonsense-mediated mRNA decay. As such, this alteration is classified as likely pathogenic.